The following is an entry in ClinVar:

ClinVar aggregate classification (germline): Pathogenic/Likely pathogenic. Review status: criteria provided, multiple submitters, no conflicts (2 of 4 stars). 2 submissions from 2 submitters: Pathogenic (1); Likely pathogenic (1). Last evaluated 2025-09-07.

Conditions:
CTSD-related disorder. Also called: CTSD-related condition.
Neuronal ceroid lipofuscinosis. Also called: Neuronal Ceroid Lipofuscinoses. Identifiers: Orphanet 216, Orphanet 79263, MedGen C0027877, MONDO:0016295. Disease mechanism: loss of function.

Allele frequency attached by ClinVar (database versions not stated): TOPMed below 0.00001; gnomAD 0.00001.

Submissions (2):

Labcorp Genetics (formerly Invitae), Labcorp
Classification: Pathogenic for Neuronal ceroid lipofuscinosis. Last evaluated: 2025-09-07. Review status: criteria provided, single submitter. Criteria: Invitae Variant Classification Sherloc (09022015). Collection method: clinical testing. Allele origin: germline.
Comment: This sequence change creates a premature translational stop signal (p.Glu82*) in the CTSD gene. It is expected to result in an absent or disrupted protein product. Loss-of-function variants in CTSD are known to be pathogenic (PMID: 16670177, 26059544). This variant is not present in population databases (gnomAD no frequency). This variant has not been reported in the literature in individuals affected with CTSD-related conditions. ClinVar contains an entry for this variant (Variation ID: 1407027). For these reasons, this variant has been classified as Pathogenic.

Blueprint Genetics
Classification: Likely pathogenic for CTSD-related disorders. Last evaluated: 2024-01-22. Review status: criteria provided, single submitter. Criteria: ACMG Guidelines, 2015. Collection method: clinical testing. Allele origin: germline. Affected: yes. Observed: 1 variant allele.

Literature cited by the submitters: PubMed 16670177 (cited by Labcorp Genetics (formerly Invitae), Labcorp); PubMed 26059544 (cited by Labcorp Genetics (formerly Invitae), Labcorp).

NM_001909.5(CTSD):c.244G>T (p.Glu82Ter)

Gene: CTSD (cathepsin D; minus strand). Cytogenetic location: 11p15.5.
Variant type: single nucleotide variant.
Coding change: c.244G>T on transcript NM_001909.5 (MANE Select); coding-DNA position 244, G replaced by T.
Protein change: p.Glu82Ter; replaces glutamic acid 82 with a stop codon.
Molecular consequence: nonsense.
Genome position (GRCh38, 1-based): chr11:1,759,624, C>A on the plus strand (G>T on the coding strand, the complement: CTSD is on the minus strand). VCF-style: chr11-1759624-C-A. GRCh37 (hg19) VCF-style: chr11-1780854-C-A.
Other names: short protein forms E82*.
Identifiers: ClinVar variation 1407027 (VCV001407027.7), dbSNP rs1845850847, ClinGen allele CA379098566.